The following is an entry in ClinVar:

NM_017514.5(PLXNA3):c.4754T>C (p.Met1585Thr)

Gene: PLXNA3 (plexin A3; plus strand). Cytogenetic location: Xq28.
Variant type: single nucleotide variant.
Coding change: c.4754T>C on transcript NM_017514.5 (MANE Select); coding-DNA position 4754, T replaced by C.
Protein change: p.Met1585Thr; replaces methionine 1585 with threonine.
Molecular consequence: missense variant.
Genome position (GRCh38, 1-based): chrX:154,469,743, T>C. VCF-style: chrX-154469743-T-C. GRCh37 (hg19) VCF-style: chrX-153698086-T-C.
Other names: c.4754T>C (NM_017514.3); short protein forms M1585T.
Identifiers: ClinVar variation 2632128 (VCV002632128.3), dbSNP rs897453344, ClinGen allele CA337322169.

ClinVar aggregate classification (germline): Uncertain significance. Review status: criteria provided, multiple submitters, no conflicts (2 of 4 stars). 2 submissions from 2 submitters: Uncertain significance (2). Last evaluated 2026-08-27.

Conditions:
PLXNA3-related disorder. Also called: PLXNA3-related condition.

Allele frequency attached by ClinVar (database versions not stated): gnomAD exomes 0.00001; gnomAD 0.00002; TOPMed 0.00002.

Submissions (2):

Ambry Genetics
Classification: Uncertain significance. Last evaluated: 2026-08-27. Review status: criteria provided, single submitter. Criteria: Ambry Variant Classification Scheme 2023. Collection method: clinical testing. Allele origin: germline.

PreventionGenetics, part of Exact Sciences
Classification: Uncertain significance for PLXNA3-related condition. Last evaluated: 2025-12-15. Review status: criteria provided, single submitter. Criteria: ACMG Guidelines, 2015. Collection method: clinical testing. Allele origin: germline.
Comment: The PLXNA3 c.4754T>C variant is predicted to result in the amino acid substitution p.Met1585Thr. To our knowledge, this variant has not been reported in the literature. This variant is reported in 0.0073% of alleles in individuals of Latino descent in gnomAD. At this time, the clinical significance of this variant is uncertain due to the absence of conclusive functional and genetic evidence.